The following is an entry in ClinVar:

ClinVar aggregate classification (germline): Conflicting classifications of pathogenicity. Review status: criteria provided, conflicting classifications (1 of 4 stars). 3 submissions from 3 submitters: Uncertain significance (2); Likely benign (1). Last evaluated 2026-08-12.

Conditions:
Hereditary cancer-predisposing syndrome. Also called: Hereditary Cancer Syndrome; Hereditary neoplastic syndrome; Neoplastic Syndromes, Hereditary; Tumor predisposition. Identifiers: Orphanet 140162, MedGen C0027672, MeSH D009386, MONDO:0015356.
Breast and/or ovarian cancer. Identifiers: MedGen CN221562.
Hereditary nonpolyposis colorectal neoplasms. Identifiers: MedGen C0009405, MeSH D003123.

Submissions (3):

Ambry Genetics
Classification: Likely benign for Hereditary cancer-predisposing syndrome. Last evaluated: 2026-08-12. Review status: criteria provided, single submitter. Criteria: Ambry Variant Classification Scheme 2023. Collection method: clinical testing. Allele origin: germline.

Labcorp Genetics (formerly Invitae), Labcorp
Classification: Uncertain significance for Hereditary nonpolyposis colorectal neoplasms. Last evaluated: 2023-12-22. Review status: criteria provided, single submitter. Criteria: Invitae Variant Classification Sherloc (09022015). Collection method: clinical testing. Allele origin: germline.
Comment: This sequence change replaces tyrosine, which is neutral and polar, with serine, which is neutral and polar, at codon 1128 of the MSH6 protein (p.Tyr1128Ser). This variant is not present in population databases (gnomAD no frequency). This variant has not been reported in the literature in individuals affected with MSH6-related conditions. ClinVar contains an entry for this variant (Variation ID: 2442866). Advanced modeling of protein sequence and biophysical properties (such as structural, functional, and spatial information, amino acid conservation, physicochemical variation, residue mobility, and thermodynamic stability) performed at Invitae indicates that this missense variant is not expected to disrupt MSH6 protein function with a negative predictive value of 95%. In summary, the available evidence is currently insufficient to determine the role of this variant in disease. Therefore, it has been classified as a Variant of Uncertain Significance.

CHEO Genetics Diagnostic Laboratory, Children's Hospital of Eastern Ontario
Classification: Uncertain significance for Breast and/or ovarian cancer. Last evaluated: 2022-05-05. Review status: criteria provided, single submitter. Criteria: ACMG Guidelines, 2015. Collection method: clinical testing. Allele origin: germline.

NM_000179.3(MSH6):c.3383A>C (p.Tyr1128Ser)

Gene: MSH6 (mutS homolog 6; plus strand). Cytogenetic location: 2p16.3.
Variant type: single nucleotide variant.
Coding change: c.3383A>C on transcript NM_000179.3 (MANE Select); coding-DNA position 3383, A replaced by C.
Protein change: p.Tyr1128Ser; replaces tyrosine 1128 with serine.
Molecular consequence: missense variant.
Genome position (GRCh38, 1-based): chr2:47,803,630, A>C. VCF-style: chr2-47803630-A-C. GRCh37 (hg19) VCF-style: chr2-48030769-A-C.
Other names: c.2477A>C, p.Tyr826Ser (NM_001406814.1, NM_001406815.1, NM_001406816.1 and 6 more transcripts); c.1817A>C, p.Tyr606Ser (NM_001406817.1); c.3086A>C, p.Tyr1029Ser (NM_001406818.1, NM_001406819.1, NM_001406820.1 and 10 more transcripts); c.2993A>C, p.Tyr998Ser (NM_001281492.2); c.3479A>C, p.Tyr1160Ser (NM_001406795.1, NM_001406802.1); c.3383A>C, p.Tyr1128Ser (NM_001406796.1, NM_001406800.1, NM_001406808.1 and 1 more transcripts); c.3209A>C, p.Tyr1070Ser (NM_001406798.1); c.2858A>C, p.Tyr953Ser (NM_001406799.1, NM_001406806.1, NM_001406807.1); and 7 more; short protein forms Y1029S, Y1070S, Y1072S, Y1102S, Y1128S, Y1130S, Y1160S, Y443S.
Identifiers: ClinVar variation 2442866 (VCV002442866.8), dbSNP rs587779261, ClinGen allele CA346758829.